The following is an entry in ClinVar:

NM_000092.5(COL4A4):c.3215-2A>G

Gene: COL4A4 (collagen type IV alpha 4 chain; minus strand). Cytogenetic location: 2q36.3.
Variant type: single nucleotide variant.
Coding change: c.3215-2A>G on transcript NM_000092.5 (MANE Select); the canonical splice acceptor site of the intron before coding-DNA position 3215, A replaced by G.
Molecular consequence: splice acceptor variant.
Genome position (GRCh38, 1-based): chr2:227,047,551, T>C on the plus strand (A>G on the coding strand, the complement: COL4A4 is on the minus strand). VCF-style: chr2-227047551-T-C. GRCh37 (hg19) VCF-style: chr2-227912267-T-C.
Identifiers: ClinVar variation 4884710 (VCV004884710.1).
Genomic context (GRCh38, chr2:227,047,551, plus strand): 5'-ACCTGGCTCACCCTTTGGACCAGGTGGACCAAAGTGACTGGCAGGGTCACCTTTGTTTCC[T>C]GAAAGGGATAAAATGCATGTGACATTACTTTAGACAATTTAATTTGGTCTCATACAGGTG-3'

ClinVar aggregate classification (germline): Pathogenic (1 of 4 stars; one submission).

Conditions:
Autosomal dominant Alport syndrome (ATS3A). Also called: Alport syndrome dominant type; Renal failure and sensorineural hearing loss; ALPORT SYNDROME 3A, AUTOSOMAL DOMINANT. Identifiers: Orphanet 63, Orphanet 88918, MedGen C5882663, MONDO:0007086, OMIM 104200.

gnomAD v4.1: 1 of 1,610,704 alleles (0.000062%); highest among the groups gnomAD compares: South Asian, 0.0011%; no homozygotes.

Submission:

Centre de Génétique Humaine, Institut de Pathologie Et de Génétique
Classification: Pathogenic for Autosomal dominant Alport syndrome. Last evaluated: 2026-06-01. Review status: criteria provided, single submitter. Criteria: ACMG Guidelines, 2015. Collection method: clinical testing. Allele origin: paternal, germline, maternal. Inheritance: Autosomal dominant inheritance. Affected: yes. Observed: 4 variant alleles, 4 heterozygotes. Clinical features observed: Microscopic hematuria (HP:0002907), Mild albuminuria (HP:0033065), Stage 2 chronic kidney disease (HP:0012624), Stage 3 chronic kidney disease (HP:0012625). Segregation with disease observed.
Comment: Variant located in the canonical acceptor splice site of intron 3 (PVS1). This variant is rare: allelic frequency of 0.00025% in gnomAD v4.1.0 database (PM2). Described as pathogenic in family with AD AS (PP5)